The following is an entry in ClinVar:

ClinVar aggregate classification (germline): Uncertain significance (1 of 4 stars; one submission).

Conditions:
Progressive sclerosing poliodystrophy (MTDPS4A). Also called: ALPERS PROGRESSIVE INFANTILE POLIODYSTROPHY; NEURONAL DEGENERATION OF CHILDHOOD WITH LIVER DISEASE, PROGRESSIVE; Alpers Syndrome; ALPERS DIFFUSE DEGENERATION OF CEREBRAL GRAY MATTER WITH HEPATIC CIRRHOSIS; Alpers-Huttenlocher Syndrome; Mitochondrial DNA depletion syndrome 4A (Alpers type). Identifiers: Orphanet 726, MedGen C0205710, MONDO:0008758, OMIM 203700.

gnomAD v4.1: 1 of 1,598,220 alleles (0.000063%); highest among the groups gnomAD compares: Non-Finnish European, 0.000085%; no homozygotes.

Submission:

Labcorp Genetics (formerly Invitae), Labcorp
Classification: Uncertain significance for Progressive sclerosing poliodystrophy. Last evaluated: 2024-10-21. Review status: criteria provided, single submitter. Criteria: Invitae Variant Classification Sherloc (09022015). Collection method: clinical testing. Allele origin: germline.
Comment: This sequence change replaces glutamine, which is neutral and polar, with arginine, which is basic and polar, at codon 49 of the POLG protein (p.Gln49Arg). This variant is not present in population databases (gnomAD no frequency). This variant has not been reported in the literature in individuals affected with POLG-related conditions. Invitae Evidence Modeling of protein sequence and biophysical properties (such as structural, functional, and spatial information, amino acid conservation, physicochemical variation, residue mobility, and thermodynamic stability) indicates that this missense variant is not expected to disrupt POLG protein function with a negative predictive value of 95%. In summary, the available evidence is currently insufficient to determine the role of this variant in disease. Therefore, it has been classified as a Variant of Uncertain Significance.

NM_002693.3(POLG):c.146A>G (p.Gln49Arg)

Genes: POLG (DNA polymerase gamma, catalytic subunit; minus strand), POLGARF (POLG alternative reading frame; minus strand). Cytogenetic location: 15q26.1.
Variant type: single nucleotide variant.
Coding change: c.146A>G on transcript NM_002693.3 (MANE Select); coding-DNA position 146, A replaced by G.
Protein change: p.Gln49Arg; replaces glutamine 49 with arginine.
Molecular consequence: missense variant. On other transcripts: synonymous variant (1).
Genome position (GRCh38, 1-based): chr15:89,333,609, T>C on the plus strand (A>G on the coding strand, the complement: POLG is on the minus strand). VCF-style: chr15-89333609-T-C. GRCh37 (hg19) VCF-style: chr15-89876840-T-C.
Other names: c.201A>G, p.Ala67= (NM_001430120.1); c.146A>G, p.Gln49Arg (NM_001126131.2); short protein forms Q49R.
Identifiers: ClinVar variation 3691711 (VCV003691711.2).